The following is an entry in ClinVar:

NM_001035.3(RYR2):c.7773A>T (p.Arg2591Ser)

Gene: RYR2 (ryanodine receptor 2; plus strand). Cytogenetic location: 1q43.
Variant type: single nucleotide variant.
Coding change: c.7773A>T on transcript NM_001035.3 (MANE Select); coding-DNA position 7773, A replaced by T.
Protein change: p.Arg2591Ser; replaces arginine 2591 with serine.
Molecular consequence: missense variant.
Genome position (GRCh38, 1-based): chr1:237,651,450, A>T. VCF-style: chr1-237651450-A-T. GRCh37 (hg19) VCF-style: chr1-237814750-A-T.
Other names: short protein forms R2591S.
Identifiers: ClinVar variation 3074874 (VCV003074874.1), dbSNP rs907883428, ClinGen allele CA39798890.

ClinVar aggregate classification (germline): Uncertain significance (1 of 4 stars; one submission).

Conditions:
Catecholaminergic polymorphic ventricular tachycardia (CVPT). Also called: Catecholamine-induced polymorphic ventricular tachycardia. Identifiers: Orphanet 3286, MedGen C5574922, MONDO:0017990.

Submission:

All of Us Research Program, National Institutes of Health
Classification: Uncertain significance for Catecholaminergic polymorphic ventricular tachycardia. Last evaluated: 2023-12-13. Review status: criteria provided, single submitter. Criteria: ACMG Guidelines, 2015. Collection method: clinical testing. Allele origin: germline. Inheritance: Autosomal dominant inheritance. Observed: 1 variant allele, 1 heterozygote.
Comment: This missense variant replaces arginine with serine at codon 2591 of the RYR2 protein. Computational prediction suggests that this variant may have deleterious impact on protein structure and function (internally defined REVEL score threshold >= 0.7, PMID: 27666373). To our knowledge, functional studies have not been reported for this variant. This variant has not been reported in individuals affected with RYR2-related disorders in the literature. This variant has not been identified in the general population by the Genome Aggregation Database (gnomAD). The available evidence is insufficient to determine the role of this variant in disease conclusively. Therefore, this variant is classified as a Variant of Uncertain Significance.

This study involves interpretation of variants in research participants for the purpose of population health screening. Participant phenotype was not available at the time of variant classification. Additional details can be found in publication PMID: 35346344, PMCID: PMC8962531